The following is an entry in ClinVar:

NM_020964.3(EPG5):c.3937C>T (p.Gln1313Ter)

Gene: EPG5 (ectopic P-granules 5 autophagy tethering factor; minus strand). Cytogenetic location: 18q21.1.
Variant type: single nucleotide variant.
Coding change: c.3937C>T on transcript NM_020964.3 (MANE Select); coding-DNA position 3937, C replaced by T.
Protein change: p.Gln1313Ter; replaces glutamine 1313 with a stop codon.
Molecular consequence: nonsense.
Genome position (GRCh38, 1-based): chr18:45,912,336, G>A on the plus strand (C>T on the coding strand, the complement: EPG5 is on the minus strand). VCF-style: chr18-45912336-G-A. GRCh37 (hg19) VCF-style: chr18-43492301-G-A.
Other names: c.3937C>T, p.Gln1313Ter (LRG_1234t1); short protein forms Q1313*.
Identifiers: ClinVar variation 620334 (VCV000620334.5), dbSNP rs986592823, ClinGen allele CA299761726.

ClinVar aggregate classification (germline): Pathogenic/Likely pathogenic. Review status: criteria provided, multiple submitters, no conflicts (2 of 4 stars). 3 submissions from 3 submitters: Pathogenic (1); Likely pathogenic (1). 1 of the submissions does not count toward it. Last evaluated 2025-06-17.

Conditions:
EPG5-related disorder. Also called: EPG5-related condition. Identifiers: MedGen CN381528.
Vici syndrome (VICIS). Identifiers: Orphanet 1493, MedGen C1855772, MONDO:0009452, OMIM 242840.

Allele frequency attached by ClinVar (database versions not stated): TOPMed below 0.00001.

Submissions (3):

Labcorp Genetics (formerly Invitae), Labcorp
Classification: Pathogenic for Vici syndrome. Last evaluated: 2025-06-17. Review status: criteria provided, single submitter. Criteria: Invitae Variant Classification Sherloc (09022015). Collection method: clinical testing. Allele origin: germline.
Comment: This sequence change creates a premature translational stop signal (p.Gln1313*) in the EPG5 gene. It is expected to result in an absent or disrupted protein product. Loss-of-function variants in EPG5 are known to be pathogenic (PMID: 23222957, 23674064). This variant is not present in population databases (gnomAD no frequency). This variant has not been reported in the literature in individuals affected with EPG5-related conditions. ClinVar contains an entry for this variant (Variation ID: 620334). For these reasons, this variant has been classified as Pathogenic.

GeneDx
Classification: Likely pathogenic. Last evaluated: 2018-09-13. Review status: criteria provided, single submitter. Criteria: GeneDx Variant Classification (06012015). Collection method: clinical testing. Allele origin: germline. Affected: yes.
Comment: The Q1313X variant in the EPG5 gene has not been reported previously as a pathogenic variant nor as a benign variant, to our knowledge. This variant is predicted to cause loss of normal protein function either through protein truncation or nonsense-mediated mRNA decay. The Q1313X variant is not observed in large population cohorts (Lek et al., 2016). We interpret Q1313X as a likely pathogenic variant.

PreventionGenetics, part of Exact Sciences
Classification: Likely pathogenic for EPG5-related condition. Last evaluated: 2024-04-18. Review status: no assertion criteria provided. Collection method: clinical testing. Allele origin: germline. Not counted in ClinVar's aggregate classification.
Comment: The EPG5 c.3937C>T variant is predicted to result in premature protein termination (p.Gln1313*). To our knowledge, this variant has not been reported in the literature or in a large population database, indicating this variant is rare. Nonsense variants in EPG5 are expected to be pathogenic. This variant is interpreted as likely pathogenic.

Literature cited by the submitters: PubMed 23222957 (cited by Labcorp Genetics (formerly Invitae), Labcorp); PubMed 23674064 (cited by Labcorp Genetics (formerly Invitae), Labcorp).